The following is an entry in ClinVar:

ClinVar aggregate classification (germline): Uncertain significance (1 of 4 stars; one submission).

Allele frequency attached by ClinVar (database versions not stated): gnomAD exomes below 0.00001.
gnomAD v4.1: 1 of 1,600,066 alleles (0.000062%); highest among the groups gnomAD compares: Non-Finnish European, 0.000085%; no homozygotes.

Submission:

GeneDx
Classification: Uncertain significance. Last evaluated: 2023-04-07. Review status: criteria provided, single submitter. Criteria: GeneDx Variant Classification Process June 2021. Collection method: clinical testing. Allele origin: germline. Affected: yes.
Comment: Not observed at significant frequency in large population cohorts (gnomAD); In silico analysis supports that this missense variant has a deleterious effect on protein structure/function; Has not been previously published as pathogenic or benign to our knowledge

NM_006494.4(ERF):c.814C>T (p.Pro272Ser)

Gene: ERF (ETS2 repressor factor; minus strand). Cytogenetic location: 19q13.2.
Variant type: single nucleotide variant.
Coding change: c.814C>T on transcript NM_006494.4 (MANE Select); coding-DNA position 814, C replaced by T.
Protein change: p.Pro272Ser; replaces proline 272 with serine.
Molecular consequence: missense variant.
Genome position (GRCh38, 1-based): chr19:42,249,298, G>A on the plus strand (C>T on the coding strand, the complement: ERF is on the minus strand). VCF-style: chr19-42249298-G-A. GRCh37 (hg19) VCF-style: chr19-42753450-G-A.
Other names: c.589C>T, p.Pro197Ser (NM_001301035.2, NM_001308402.2, NM_001312656.2); short protein forms P197S, P272S.
Identifiers: ClinVar variation 2662121 (VCV002662121.1), dbSNP rs2513521817, ClinGen allele CA406110295.